The following is an entry in ClinVar:

NM_003579.4(RAD54L):c.1234G>T (p.Val412Phe)

Gene: RAD54L (RAD54 like; plus strand). Cytogenetic location: 1p34.1.
Variant type: single nucleotide variant.
Coding change: c.1234G>T on transcript NM_003579.4 (MANE Select); coding-DNA position 1234, G replaced by T.
Protein change: p.Val412Phe; replaces valine 412 with phenylalanine.
Molecular consequence: missense variant.
Genome position (GRCh38, 1-based): chr1:46,272,530, G>T. VCF-style: chr1-46272530-G-T. GRCh37 (hg19) VCF-style: chr1-46738202-G-T.
Other names: c.1234G>T, p.Val412Phe (NM_001142548.2); c.694G>T, p.Val232Phe (NM_001370766.1); short protein forms V232F, V412F.
Identifiers: ClinVar variation 2466801 (VCV002466801.2), dbSNP rs528893398, ClinGen allele CA834539.

ClinVar aggregate classification (germline): Uncertain significance (1 of 4 stars; one submission).

gnomAD v4.1: 8 of 1,611,766 alleles (0.0005%); highest among the groups gnomAD compares: African/African-American, 0.011%; no homozygotes.

Submission:

Ambry Genetics
Classification: Uncertain significance. Last evaluated: 2023-01-31. Review status: criteria provided, single submitter. Criteria: Ambry Variant Classification Scheme 2023. Collection method: clinical testing. Allele origin: germline.
Comment: The p.V412F variant (also known as c.1234G>T), located in coding exon 11 of the RAD54L gene, results from a G to T substitution at nucleotide position 1234. The valine at codon 412 is replaced by phenylalanine, an amino acid with highly similar properties. This amino acid position is conserved. In addition, this alteration is predicted to be deleterious by in silico analysis. Since supporting evidence is limited at this time, the clinical significance of this alteration remains unclear.